The following is an entry in ClinVar:

NM_004793.4(LONP1):c.2853G>C (p.Gln951His)

Gene: LONP1 (lon peptidase 1, mitochondrial; minus strand). Cytogenetic location: 19p13.3.
Variant type: single nucleotide variant.
Coding change: c.2853G>C on transcript NM_004793.4 (MANE Select); coding-DNA position 2853, G replaced by C.
Protein change: p.Gln951His; replaces glutamine 951 with histidine.
Molecular consequence: missense variant. On other transcripts: non-coding transcript variant (1).
Genome position (GRCh38, 1-based): chr19:5,692,059, C>G on the plus strand (G>C on the coding strand, the complement: LONP1 is on the minus strand). VCF-style: chr19-5692059-C-G. GRCh37 (hg19) VCF-style: chr19-5692070-C-G.
Other names: c.2853G>C (NM_004793.2, NM_004793.3); c.2661G>C, p.Gln887His (NM_001276479.2); c.2265G>C, p.Gln755His (NM_001276480.1); short protein forms Q755H, Q887H, Q951H.
Identifiers: ClinVar variation 1495508 (VCV001495508.9), dbSNP rs370434508, ClinGen allele CA9113928.

ClinVar aggregate classification (germline): Conflicting classifications of pathogenicity. Review status: criteria provided, conflicting classifications (1 of 4 stars). 4 submissions from 4 submitters: Uncertain significance (3); Likely benign (1). Last evaluated 2026-05-22.

Conditions:
Inborn genetic diseases. Identifiers: MedGen C0950123, MeSH D030342.
LONP1-related disorder. Also called: LONP1-related disorders; LONP1-related condition.

Allele frequency attached by ClinVar (database versions not stated): ExAC 0.00005; gnomAD 0.00005 and 0.00007; gnomAD exomes 0.00006; TOPMed 0.00009.
gnomAD v4.1: 94 of 1,613,722 alleles (0.0058%); highest among the groups gnomAD compares: East Asian, 0.049%; 1 homozygote.

Submissions (4):

PreventionGenetics, part of Exact Sciences
Classification: Uncertain significance for LONP1-related condition. Last evaluated: 2026-05-22. Review status: criteria provided, single submitter. Criteria: ACMG Guidelines, 2015. Collection method: clinical testing. Allele origin: germline.
Comment: The LONP1 c.2853G>C variant is predicted to result in the amino acid substitution p.Gln951His. To our knowledge, this variant has not been reported in the literature. This variant is reported in 0.045% of alleles in individuals of East Asian descent in gnomAD. At this time, the clinical significance of this variant is uncertain due to the absence of conclusive functional and genetic evidence.

Labcorp Genetics (formerly Invitae), Labcorp
Classification: Likely benign. Last evaluated: 2025-11-28. Review status: criteria provided, single submitter. Criteria: Invitae Variant Classification Sherloc (09022015). Collection method: clinical testing. Allele origin: germline.

GeneDx
Classification: Uncertain significance. Last evaluated: 2023-07-24. Review status: criteria provided, single submitter. Criteria: GeneDx Variant Classification Process June 2021. Collection method: clinical testing. Allele origin: germline. Affected: yes.
Comment: Has not been previously published as pathogenic or benign to our knowledge; In silico analysis supports that this missense variant does not alter protein structure/function

Ambry Genetics
Classification: Uncertain significance for Inborn genetic diseases. Last evaluated: 2022-05-25. Review status: criteria provided, single submitter. Criteria: Ambry Variant Classification Scheme 2023. Collection method: clinical testing. Allele origin: germline.